The following is an entry in ClinVar:

NM_003235.5(TG):c.1946C>G (p.Ser649Ter)

Gene: TG (thyroglobulin; plus strand). Cytogenetic location: 8q24.22.
Variant type: single nucleotide variant.
Coding change: c.1946C>G on transcript NM_003235.5 (MANE Select); coding-DNA position 1946, C replaced by G.
Protein change: p.Ser649Ter; replaces serine 649 with a stop codon.
Molecular consequence: nonsense.
Genome position (GRCh38, 1-based): chr8:132,887,318, C>G. VCF-style: chr8-132887318-C-G. GRCh37 (hg19) VCF-style: chr8-133899563-C-G.
Other names: short protein forms S649*.
Identifiers: ClinVar variation 2777826 (VCV002777826.3), dbSNP rs1554657542, ClinGen allele CA372232318.
Genomic context (GRCh38, chr8:132,887,318, plus strand): 5'-TCCAATGCTTTTCCGGAGAGTGCTGGTGTGTGAATTCCTGGGGCAAAGAGCTTCCAGGCT[C>G]AAGAGTCAGAGGTGGACAGCCAAGGTGCCCCACAGACTGTGAAAAGCAAAGGGCTCGCAT-3'

ClinVar aggregate classification (germline): Pathogenic (1 of 4 stars; one submission).

gnomAD v4.1: 2 of 1,608,480 alleles (0.00012%); highest among the groups gnomAD compares: Non-Finnish European, 0.00017%; no homozygotes.

Submission:

Labcorp Genetics (formerly Invitae), Labcorp
Classification: Pathogenic. Last evaluated: 2023-12-05. Review status: criteria provided, single submitter. Criteria: Invitae Variant Classification Sherloc (09022015). Collection method: clinical testing. Allele origin: germline.
Comment: This sequence change creates a premature translational stop signal (p.Ser649*) in the TG gene. It is expected to result in an absent or disrupted protein product. Loss-of-function variants in TG are known to be pathogenic (PMID: 19837936, 23164529). This variant is not present in population databases (gnomAD no frequency). This variant has not been reported in the literature in individuals affected with TG-related conditions. For these reasons, this variant has been classified as Pathogenic.

Literature cited by the submitters: PubMed 19837936; PubMed 23164529.